The following is an entry in ClinVar:

NM_000975.5(RPL11):c.158-1G>C

Gene: RPL11 (ribosomal protein L11; plus strand). Cytogenetic location: 1p36.11.
Variant type: single nucleotide variant.
Coding change: c.158-1G>C on transcript NM_000975.5 (MANE Select); the canonical splice acceptor site of the intron before coding-DNA position 158, G replaced by C.
Molecular consequence: splice acceptor variant.
Genome position (GRCh38, 1-based): chr1:23,693,806, G>C. VCF-style: chr1-23693806-G-C. GRCh37 (hg19) VCF-style: chr1-24020296-G-C.
Other names: c.155-1G>C (NM_001199802.1).
Identifiers: ClinVar variation 1775715 (VCV001775715.3), dbSNP rs151155897, ClinGen allele CA338992575.

ClinVar aggregate classification (germline): Pathogenic (1 of 4 stars; one submission).

Conditions:
Diamond-Blackfan anemia. Also called: Blackfan Diamond syndrome; Aregenerative anemia chronic congenital; Red cell aplasia, pure hereditary; Congenital hypoplastic anemia; Aase syndrome. Identifiers: Orphanet 124, MedGen C1260899, MeSH D029503, MONDO:0015253, HP:0004810.

Submission:

Ambry Genetics
Classification: Pathogenic for Diamond-Blackfan anemia. Last evaluated: 2023-08-15. Review status: criteria provided, single submitter. Criteria: Ambry Variant Classification Scheme 2023. Collection method: clinical testing. Allele origin: germline.
Comment: The c.158-1G>C intronic variant results from a G to C substitution one nucleotide upstream from coding exon 3 of the RPL11 gene. This mutation was reported in an individual with an inherited bone marrow failure syndrome (Ghemlas I et al. J. Med. Genet., 2015 Sep;52:575-84). In addition to the clinical data presented in the literature, alterations that disrupt the canonical splice site are expected to cause aberrant splicing, resulting in an abnormal protein or a transcript that is subject to nonsense-mediated mRNA decay. As such, this alteration is classified as a disease-causing mutation.

Literature cited by the submitters: PubMed 26136524.